The following is an entry in ClinVar:

ClinVar aggregate classification (germline): Uncertain significance (1 of 4 stars; one submission).

Conditions:
Arrhythmogenic right ventricular cardiomyopathy (ARVD). Also called: Arrhythmogenic right ventricular dysplasia; Cardiomyopathy, ARVC; Arrhythmogenic cardiomyopathy; Arrhythmogenic Right Ventricular Cardiomyopathy (ARVC). Identifiers: Orphanet 247, MedGen C0349788, MeSH D019571, MONDO:0016587. Disease mechanism: loss of function. Inheritance: Various modes of inheritance.

Submission:

All of Us Research Program, National Institutes of Health
Classification: Uncertain significance for Arrhythmogenic right ventricular cardiomyopathy. Last evaluated: 2023-02-15. Review status: criteria provided, single submitter. Criteria: ACMG Guidelines, 2015. Collection method: clinical testing. Allele origin: germline. Inheritance: Autosomal dominant inheritance. Observed: 1 variant allele, 1 heterozygote.
Comment: This missense variant replaces alanine with serine at codon 570 of the PKP2 protein. Computational prediction suggests that this variant may not impact protein structure and function (internally defined REVEL score threshold <= 0.5, PMID: 27666373). To our knowledge, functional studies have not been reported for this variant. This variant has not been reported in individuals affected with cardiovascular disorders in the literature. This variant has not been identified in the general population by the Genome Aggregation Database (gnomAD). The available evidence is insufficient to determine the role of this variant in disease conclusively. Therefore, this variant is classified as a Variant of Uncertain Significance.

This study involves interpretation of variants in research participants for the purpose of population health screening. Participant phenotype was not available at the time of variant classification. Additional details can be found in publication PMID: 35346344, PMCID: PMC8962531

NM_001005242.3(PKP2):c.1576G>T (p.Ala526Ser)

Gene: PKP2 (plakophilin 2; minus strand). Cytogenetic location: 12p11.21.
Variant type: single nucleotide variant.
Coding change: c.1576G>T on transcript NM_001005242.3 (MANE Select); coding-DNA position 1576, G replaced by T.
Protein change: p.Ala526Ser; replaces alanine 526 with serine.
Molecular consequence: missense variant.
Genome position (GRCh38, 1-based): chr12:32,824,143, C>A on the plus strand (G>T on the coding strand, the complement: PKP2 is on the minus strand). VCF-style: chr12-32824143-C-A. GRCh37 (hg19) VCF-style: chr12-32977077-C-A.
Other names: c.1576G>T, p.Ala526Ser (NM_001407155.1, NM_001407156.1, NM_001407161.1); c.1708G>T, p.Ala570Ser (NM_001407157.1, NM_004572.4); c.1249G>T, p.Ala417Ser (NM_001407158.1, NM_001407159.1, NM_001407160.1 and 1 more transcripts); short protein forms A417S, A526S, A570S.
Identifiers: ClinVar variation 3075565 (VCV003075565.1), dbSNP rs558637427, ClinGen allele CA384365039.